The following is an entry in ClinVar:

ClinVar aggregate classification (germline): Uncertain significance. Review status: reviewed by expert panel (3 of 4 stars). 2 submissions from 2 submitters: Uncertain significance (1). 1 of the submissions does not count toward it. Last evaluated 2024-04-23.

Conditions:
Severe combined immunodeficiency, autosomal recessive, T cell-negative, B cell-negative, NK cell-negative, due to adenosine deaminase deficiency. Also called: ADA deficiency; Adenosine deaminase deficient severe combined immunodeficiency; Severe combined immunodeficiency due to ADA deficiency; SCID DUE TO ADA DEFICIENCY; SCID DUE TO ADA DEFICIENCY, EARLY-ONSET; ADA-SCID. Identifiers: Orphanet 277, MedGen C0392607, MONDO:0007064, OMIM 102700.

Allele frequency attached by ClinVar (database versions not stated): TOPMed below 0.00001; gnomAD 0.00001; gnomAD exomes 0.00001.
gnomAD v4.1: 4 of 1,614,086 alleles (0.00025%); highest among the groups gnomAD compares: Middle Eastern, 0.016%; no homozygotes.

Submissions (2):

ClinGen Severe Combined Immunodeficiency Variant Curation Expert Panel, ClinGen
Classification: Uncertain significance for Severe combined immunodeficiency, autosomal recessive, T cell-negative, B cell-negative, NK cell-negative, due to adenosine deaminase deficiency. Last evaluated: 2024-04-23. Review status: reviewed by expert panel. Criteria: ClinGen SCID ACMG Specifications ADA V1.0.0. Collection method: curation. Allele origin: germline. Inheritance: Autosomal recessive inheritance.
Comment: The c.902A>G (NM_000022.4) variant in ADA is a missense variant predicted to cause substitution of Lysine by Arginine at amino acid 301 (p.Lys301Arg). The highest population minor allele frequency in gnomAD v4 is 0.0002240 (1/4464 alleles) in the Middle Eastern population. As this is a known gnomAD bottleneck population, and additionally has a higher SCID prevalence, we are excluding this population from this analysis. The second highest MAF is 0.00002423 (1/41270 alleles) in the East Asian population, which is lower than the ClinGen SCID VCEP threshold (<0.0001742) for PM2_Supporting and, therefore, meets this criterion (PM2_Supporting). No homozygotes have been observed in gnomAD. Also, no homozygous was reported (BS2 Not Met). To our knowledge, this variant has not been reported in the literature in individuals affected with ADA-related conditions or in functional studies. Due to insufficient evidence, this variant is classified as a variant of uncertain significance for autosomal recessive SCID based on ACMG/AMP criteria applied, as specified by the ClinGen SCID VCEP (specification version 1.0): PM2_Supporting.

Labcorp Genetics (formerly Invitae), Labcorp
Classification: Uncertain significance for Severe combined immunodeficiency, autosomal recessive, T cell-negative, B cell-negative, NK cell-negative, due to adenosine deaminase deficiency. Last evaluated: 2022-08-09. Review status: criteria provided, single submitter. Criteria: Invitae Variant Classification Sherloc (09022015). Collection method: clinical testing. Allele origin: germline. Not counted in ClinVar's aggregate classification.
Comment: This sequence change replaces lysine, which is basic and polar, with arginine, which is basic and polar, at codon 301 of the ADA protein (p.Lys301Arg). This variant is present in population databases (no rsID available, gnomAD 0.06%). This variant has not been reported in the literature in individuals affected with ADA-related conditions. ClinVar contains an entry for this variant (Variation ID: 845973). Advanced modeling of protein sequence and biophysical properties (such as structural, functional, and spatial information, amino acid conservation, physicochemical variation, residue mobility, and thermodynamic stability) performed at Invitae indicates that this missense variant is not expected to disrupt ADA protein function. Algorithms developed to predict the effect of sequence changes on RNA splicing suggest that this variant may create or strengthen a splice site. In summary, the available evidence is currently insufficient to determine the role of this variant in disease. Therefore, it has been classified as a Variant of Uncertain Significance.

NM_000022.4(ADA):c.902A>G (p.Lys301Arg)

Gene: ADA (adenosine deaminase; minus strand). Cytogenetic location: 20q13.12.
Variant type: single nucleotide variant.
Coding change: c.902A>G on transcript NM_000022.4 (MANE Select); coding-DNA position 902, A replaced by G.
Protein change: p.Lys301Arg; replaces lysine 301 with arginine.
Molecular consequence: missense variant. On other transcripts: non-coding transcript variant (1).
Genome position (GRCh38, 1-based): chr20:44,621,091, T>C on the plus strand (A>G on the coding strand, the complement: ADA is on the minus strand). VCF-style: chr20-44621091-T-C. GRCh37 (hg19) VCF-style: chr20-43249732-T-C.
Other names: NM_000022.4(ADA):c.902A>G; p.Lys301Arg; c.497A>G, p.Lys166Arg (NM_001322050.2); c.830A>G, p.Lys277Arg (NM_001322051.2); short protein forms K166R, K277R, K301R.
Identifiers: ClinVar variation 845973 (VCV000845973.3), dbSNP rs1416109540, ClinGen allele CA409118977.
Genomic context (GRCh38, chr20:44,621,091, plus strand): 5'-TCCTCTTCAGTAAAGCCCATGTCCCGTTTGGTCATCTGGTAATCAGTGTCCAGGGTGGAC[T>C]TGAAGATGAGCGGGTCATCTGTGTTGAGCGAGTAGTTAGCCTGGTCATTTTTGAGCCTGC-3'
Protein context (NP_000013.2, residues 291-311): SLNTDDPLIF[Lys301Arg]STLDTDYQMT